The following is an entry in ClinVar:

ClinVar aggregate classification (germline): Likely benign (1 of 4 stars; one submission).

Submission:

CeGaT Center for Human Genetics Tuebingen
Classification: Likely benign. Last evaluated: 2026-01-01. Review status: criteria provided, single submitter. Criteria: CeGaT Center For Human Genetics Tuebingen Variant Classification Criteria Version 2. Collection method: clinical testing. Allele origin: germline. Affected: yes. Observed: 1 variant allele.
Comment: MED12: PM2:Supporting, BP4, BP7

NM_005120.3(MED12):c.6354G>A (p.Gln2118=)

Gene: MED12 (mediator complex subunit 12; plus strand). Cytogenetic location: Xq13.1.
Variant type: single nucleotide variant.
Coding change: c.6354G>A on transcript NM_005120.3 (MANE Select); coding-DNA position 6354, G replaced by A.
Protein change: p.Gln2118=; no amino-acid change (glutamine 2118 retained).
Molecular consequence: synonymous variant.
Genome position (GRCh38, 1-based): chrX:71,141,316, G>A. VCF-style: chrX-71141316-G-A. GRCh37 (hg19) VCF-style: chrX-70361166-G-A.
Identifiers: ClinVar variation 4821155 (VCV004821155.4).